The following is an entry in ClinVar:

ClinVar aggregate classification (germline): Pathogenic (1 of 4 stars; one submission).

Submission:

Labcorp Genetics (formerly Invitae), Labcorp
Classification: Pathogenic. Last evaluated: 2020-10-20. Review status: criteria provided, single submitter. Criteria: Invitae Variant Classification Sherloc (09022015). Collection method: clinical testing. Allele origin: germline.
Comment: This sequence change creates a premature translational stop signal (p.Ala1675Valfs*8) in the COL4A4 gene. While this is not anticipated to result in nonsense mediated decay, it is expected to disrupt the last 16 amino acid(s) of the COL4A4 protein. This variant is not present in population databases (ExAC no frequency). For these reasons, this variant has been classified as Pathogenic. This variant disrupts the C-terminus of the COL4A4 protein. Other variant(s) that disrupt this region (p.Arg1682Glyfs*6) have been determined to be pathogenic (Invitae). This suggests that variants that disrupt this region of the protein are likely to be causative of disease. Algorithms developed to predict the effect of sequence changes on RNA splicing suggest that this variant may create or strengthen a splice site, but this prediction has not been confirmed by published transcriptional studies. This variant has not been reported in the literature in individuals with COL4A4-related conditions.

NM_000092.5(COL4A4):c.5024_5046del (p.Ala1675fs)

Gene: COL4A4 (collagen type IV alpha 4 chain; minus strand). Cytogenetic location: 2q36.3.
Variant type: Deletion.
Coding change: c.5024_5046del on transcript NM_000092.5 (MANE Select); coding-DNA positions 5024 to 5046, 23 bases deleted (CCCAACGCCAGAAAATCAGCCGG).
Protein change: p.Ala1675fs; shifts the reading frame from alanine 1675.
Molecular consequence: frameshift variant.
Genome position (GRCh38, 1-based): chr2:227,007,352-227,007,374, CCGGCTGATTTTCTGGCGTTGGG deleted on the plus strand (CCCAACGCCAGAAAATCAGCCGG on the coding strand, the reverse complement: COL4A4 is on the minus strand); deleting any 23 consecutive bases within chr2:227,007,352-227,007,376 gives the same sequence; the c. name uses the placement nearest the transcript's 3' end. VCF-style (leftmost placement, unchanged base first): chr2-227007351-ACCGGCTGATTTTCTGGCGTTGGG-A. GRCh37 (hg19) VCF-style: chr2-227872067-ACCGGCTGATTTTCTGGCGTTGGG-A.
Other names: short protein forms A1675fs.
Identifiers: ClinVar variation 1439510 (VCV001439510.8), dbSNP rs2149713021, ClinGen allele CA2573135342.
Genomic context (GRCh38, chr2:227,007,351, plus strand): 5'-TCTCTTGGCCACGTGTTGGTGAATTTCGCATTCTCTAGCTATACTTCACGCAGACCTGGC[ACCGGCTGATTTTCTGGCGTTGGG>A]CCTGGCTTTCTTTTAAGGTGTCTGGTGCTGGAGCAGAGGAAAACTGCAAGTCTGCTTTCA-3'